The following is an entry in ClinVar:

ClinVar aggregate classification (germline): Uncertain significance (1 of 4 stars; one submission).

gnomAD v4.1: 21 of 1,613,560 alleles (0.0013%); highest among the groups gnomAD compares: Admixed American, 0.0084%; no homozygotes.

Submission:

Labcorp Genetics (formerly Invitae), Labcorp
Classification: Uncertain significance. Last evaluated: 2025-07-13. Review status: criteria provided, single submitter. Criteria: Invitae Variant Classification Sherloc (09022015). Collection method: clinical testing. Allele origin: germline.
Comment: This sequence change replaces arginine, which is basic and polar, with glutamine, which is neutral and polar, at codon 395 of the DSTYK protein (p.Arg395Gln). This variant is present in population databases (no rsID available, gnomAD 0.005%). This variant has not been reported in the literature in individuals affected with DSTYK-related conditions. An algorithm developed to predict the effect of missense changes on protein structure and function (PolyPhen-2) suggests that this variant is likely to be tolerated. In summary, the available evidence is currently insufficient to determine the role of this variant in disease. Therefore, it has been classified as a Variant of Uncertain Significance.

NM_015375.3(DSTYK):c.1184G>A (p.Arg395Gln)

Gene: DSTYK (dual serine/threonine and tyrosine protein kinase; minus strand). Cytogenetic location: 1q32.1.
Variant type: single nucleotide variant.
Coding change: c.1184G>A on transcript NM_015375.3 (MANE Select); coding-DNA position 1184, G replaced by A.
Protein change: p.Arg395Gln; replaces arginine 395 with glutamine.
Molecular consequence: missense variant.
Genome position (GRCh38, 1-based): chr1:205,169,303, C>T on the plus strand (G>A on the coding strand, the complement: DSTYK is on the minus strand). VCF-style: chr1-205169303-C-T. GRCh37 (hg19) VCF-style: chr1-205138431-C-T.
Other names: c.1184G>A, p.Arg395Gln (NM_199462.3); short protein forms R395Q.
Identifiers: ClinVar variation 4691274 (VCV004691274.1).
Genomic context (GRCh38, chr1:205,169,303, plus strand): 5'-TCCTCCTGCTTTCGGTTGGCAATATTCATCAATGATTCATACAACTCATTCTCCTTTTTT[C>T]GAGTATATTCCAGACGTTTGGGAGTGATCTGCAGGTCCCGCTGCATGTCAAATGCCTGGT-3'
Protein context (NP_056190.1, residues 385-405): QITPKRLEYT[Arg395Gln]KKENELYESL